The following is an entry in ClinVar:

NM_032119.4(ADGRV1):c.9069G>C (p.Arg3023Ser)

Gene: ADGRV1 (adhesion G protein-coupled receptor V1; plus strand). Cytogenetic location: 5q14.3.
Variant type: single nucleotide variant.
Coding change: c.9069G>C on transcript NM_032119.4 (MANE Select); coding-DNA position 9069, G replaced by C.
Protein change: p.Arg3023Ser; replaces arginine 3023 with serine.
Molecular consequence: missense variant. On other transcripts: non-coding transcript variant (1).
Genome position (GRCh38, 1-based): chr5:90,712,313, G>C. VCF-style: chr5-90712313-G-C. GRCh37 (hg19) VCF-style: chr5-90008130-G-C.
Other names: c.9069G>C (NM_032119.3); short protein forms R3023S.
Identifiers: ClinVar variation 1381304 (VCV001381304.10), dbSNP rs540089974, ClinGen allele CA3340439.

ClinVar aggregate classification (germline): Conflicting classifications of pathogenicity. Review status: criteria provided, conflicting classifications (1 of 4 stars). 3 submissions from 3 submitters: Uncertain significance (2); Likely benign (1). Last evaluated 2025-02-25.

Conditions:
ADGRV1-related disorder. Also called: ADGRV1-related disorders; ADGRV1-related condition.

Allele frequency attached by ClinVar (database versions not stated): gnomAD 0.00001; TOPMed 0.00001; ExAC 0.00004; gnomAD exomes 0.00004; 1000 Genomes Project 30x 0.00016; 1000 Genomes Project 0.00020.
gnomAD v4.1: 10 of 1,551,138 alleles (0.00064%); highest among the groups gnomAD compares: East Asian, 0.019%; no homozygotes.

Submissions (3):

PreventionGenetics, part of Exact Sciences
Classification: Uncertain significance for ADGRV1-related condition. Last evaluated: 2025-02-25. Review status: criteria provided, single submitter. Criteria: ACMG Guidelines, 2015. Collection method: clinical testing. Allele origin: germline.
Comment: The ADGRV1 c.9069G>C variant is predicted to result in the amino acid substitution p.Arg3023Ser. This variant was reported in an individual with epilepsy and febrile seizures (Table S3, Zhou et al. 2022. PubMed ID: 35813073). This variant is reported in 0.056% of alleles in individuals of East Asian descent in gnomAD. At this time, the clinical significance of this variant is uncertain due to the absence of conclusive functional and genetic evidence.

Women's Health and Genetics/Laboratory Corporation of America, LabCorp
Classification: Uncertain significance. Last evaluated: 2024-06-20. Review status: criteria provided, single submitter. Criteria: LabCorp Variant Classification Summary - May 2015. Collection method: clinical testing. Allele origin: germline.
Comment: Variant summary: ADGRV1 c.9069G>C (p.Arg3023Ser) results in a non-conservative amino acid change located in the Na-Ca exchanger/integrin-beta4 domain (IPR003644) of the encoded protein sequence. Three of five in-silico tools predict a damaging effect of the variant on protein function. The variant allele was found at a frequency of 4.1e-05 in 172226 control chromosomes. The available data on variant occurrences in the general population are insufficient to allow any conclusion about variant significance. c.9069G>C has been reported in the literature in a heterozygous individual affected with Familial febrial seizure 4 (Zhou_2022). These data do not allow any conclusion about variant significance. To our knowledge, no experimental evidence demonstrating an impact on protein function has been reported. The following publication have been ascertained in the context of this evaluation (PMID: 35813073). ClinVar contains an entry for this variant (Variation ID: 1381304). Based on the evidence outlined above, the variant was classified as uncertain significance.

Labcorp Genetics (formerly Invitae), Labcorp
Classification: Likely benign. Last evaluated: 2024-05-20. Review status: criteria provided, single submitter. Criteria: Invitae Variant Classification Sherloc (09022015). Collection method: clinical testing. Allele origin: germline.

Literature cited by the submitters: PubMed 35813073 (cited by Women's Health and Genetics/Laboratory Corporation of America, LabCorp).